The following is an entry in ClinVar:

ClinVar aggregate classification (germline): Likely benign (0 of 4 stars; one submission).

Conditions:
TNRC6B-related disorder. Also called: TNRC6B-related condition.

Allele frequency attached by ClinVar (database versions not stated): gnomAD exomes 0.00001; ExAC 0.00005; TOPMed 0.00007; gnomAD 0.00008; ESP Exome Variant Server 0.00017.
gnomAD v4.1: 33 of 1,614,006 alleles (0.002%); highest among the groups gnomAD compares: African/African-American, 0.028%; no homozygotes.

Submission:

PreventionGenetics, part of Exact Sciences
Classification: Likely benign for TNRC6B-related condition. Last evaluated: 2019-04-01. Review status: no assertion criteria provided. Collection method: clinical testing. Allele origin: germline.
Comment: This variant is classified as likely benign based on ACMG/AMP sequence variant interpretation guidelines (Richards et al. 2015 PMID: 25741868, with internal and published modifications).

NM_001162501.2(TNRC6B):c.858T>C (p.Asn286=)

Gene: TNRC6B (trinucleotide repeat containing adaptor 6B; plus strand). Cytogenetic location: 22q13.1.
Variant type: single nucleotide variant.
Coding change: c.858T>C on transcript NM_001162501.2 (MANE Select); coding-DNA position 858, T replaced by C.
Protein change: p.Asn286=; no amino-acid change (asparagine 286 retained).
Molecular consequence: synonymous variant. On other transcripts: intron variant (1).
Genome position (GRCh38, 1-based): chr22:40,265,088, T>C. VCF-style: chr22-40265088-T-C. GRCh37 (hg19) VCF-style: chr22-40661092-T-C.
Other names: c.858T>C, p.Asn286= (NM_015088.3); c.565+2915T>C (NM_001024843.2).
Identifiers: ClinVar variation 3047283 (VCV003047283.2), dbSNP rs369264386, ClinGen allele CA10246591.
Genomic context (GRCh38, chr22:40,265,088, plus strand): 5'-ATCTGTTCAATCTTCCAACTCTACTACAGAGAACAACAATGGACTAGGAAATTGGAGGAA[T>C]GTGAGTGGTCAGGATAGAATTGGACCTGGCTCTGGCTTCAGCAACTTTAACCCAAATAGC-3'
Protein context (NP_001155973.1, residues 276-296): ENNNGLGNWR[Asn286=]VSGQDRIGPG